The following is an entry in ClinVar:

ClinVar aggregate classification (germline): Likely benign (1 of 4 stars; one submission).

gnomAD v4.1: 5 of 152,158 alleles (0.0033%); highest among the groups gnomAD compares: Non-Finnish European, 0.0059%; no homozygotes.

Submission:

CeGaT Center for Human Genetics Tuebingen
Classification: Likely benign. Last evaluated: 2025-07-01. Review status: criteria provided, single submitter. Criteria: CeGaT Center For Human Genetics Tuebingen Variant Classification Criteria Version 2. Collection method: clinical testing. Allele origin: germline. Affected: yes. Observed: 1 variant allele.
Comment: RETREG1: BP4, BP7

NM_001034850.3(RETREG1):c.459-21973A>G

Gene: RETREG1 (reticulophagy regulator 1; minus strand). Cytogenetic location: 5p15.1.
Variant type: single nucleotide variant.
Coding change: c.459-21973A>G on transcript NM_001034850.3 (MANE Select); 21973 bases into the intron before coding-DNA position 459, A replaced by G.
Molecular consequence: intron variant.
Genome position (GRCh38, 1-based): chr5:16,505,445, T>C on the plus strand (A>G on the coding strand, the complement: RETREG1 is on the minus strand). VCF-style: chr5-16505445-T-C. GRCh37 (hg19) VCF-style: chr5-16505554-T-C.
Other names: c.35+3133A>G (NM_019000.5).
Identifiers: ClinVar variation 4084646 (VCV004084646.8).